The following is an entry in ClinVar:

ClinVar aggregate classification (germline): Uncertain significance (1 of 4 stars; one submission).

Submission:

Labcorp Genetics (formerly Invitae), Labcorp
Classification: Uncertain significance. Last evaluated: 2024-01-12. Review status: criteria provided, single submitter. Criteria: Invitae Variant Classification Sherloc (09022015). Collection method: clinical testing. Allele origin: germline.
Comment: This sequence change falls in intron 4 of the RELB gene. It does not directly change the encoded amino acid sequence of the RELB protein. This variant is not present in population databases (gnomAD no frequency). This variant has not been reported in the literature in individuals affected with RELB-related conditions. Algorithms developed to predict the effect of sequence changes on RNA splicing suggest that this variant may disrupt the consensus splice site. In summary, the available evidence is currently insufficient to determine the role of this variant in disease. Therefore, it has been classified as a Variant of Uncertain Significance.

NM_006509.4(RELB):c.505-13T>G

Gene: RELB (RELB proto-oncogene, NF-kB subunit; plus strand). Cytogenetic location: 19q13.32.
Variant type: single nucleotide variant.
Coding change: c.505-13T>G on transcript NM_006509.4 (MANE Select); 13 bases into the intron before coding-DNA position 505, T replaced by G.
Molecular consequence: intron variant.
Genome position (GRCh38, 1-based): chr19:45,022,040, T>G. VCF-style: chr19-45022040-T-G. GRCh37 (hg19) VCF-style: chr19-45525298-T-G.
Other names: c.496-13T>G (NM_001411087.1).
Identifiers: ClinVar variation 2709189 (VCV002709189.3), dbSNP rs2513647544, ClinGen allele CA2697556634.
Genomic context (GRCh38, chr19:45,022,040, plus strand): 5'-GAAGGCCCCAAGGAGTTTGGATGGACGCAGGCATCGGTGATGGGACCCCCAAAGAGGACT[T>G]CTCTTCCTGCAGCTCCGGGATTGTGGAGGGCTGCGGGAGGTGGAGGTGACTGCCTGCCTG-3'